The following is an entry in ClinVar:

NM_182914.3(SYNE2):c.17629C>T (p.Arg5877Trp)

Gene: SYNE2 (spectrin repeat containing nuclear envelope protein 2; plus strand). Cytogenetic location: 14q23.2.
Variant type: single nucleotide variant.
Coding change: c.17629C>T on transcript NM_182914.3 (MANE Select); coding-DNA position 17629, C replaced by T.
Protein change: p.Arg5877Trp; replaces arginine 5877 with tryptophan.
Molecular consequence: missense variant.
Genome position (GRCh38, 1-based): chr14:64,186,496, C>T. VCF-style: chr14-64186496-C-T. GRCh37 (hg19) VCF-style: chr14-64653214-C-T.
Other names: c.17629C>T, p.Arg5877Trp (NM_015180.6); short protein forms R5877W.
Identifiers: ClinVar variation 2093793 (VCV002093793.4), dbSNP rs374144405, ClinGen allele CA7223774.
Genomic context (GRCh38, chr14:64,186,496, plus strand): 5'-TCTTTGGCTAGCTGGACTCAGAACTTGAAAGAACTTCAAACTATGAAGGCGGACTTAACC[C>T]GGCACGTTCTCGTGGAAGATGTGATGGTTTTGAAGGAGCAAATAGAGCATTTGCACAGAC-3'
Protein context (NP_878918.2, residues 5867-5887): ELQTMKADLT[Arg5877Trp]HVLVEDVMVL

ClinVar aggregate classification (germline): Uncertain significance (1 of 4 stars; one submission).

Conditions:
Emery-Dreifuss muscular dystrophy 5, autosomal dominant (EDMD5). Also called: EMERY-DREIFUSS MUSCULAR DYSTROPHY 5. Identifiers: Orphanet 261, MedGen C2751805, MONDO:0013072, OMIM 612999.

Allele frequency attached by ClinVar (database versions not stated): gnomAD 0.00001; gnomAD exomes 0.00001; ExAC 0.00002; TOPMed 0.00002; ESP Exome Variant Server 0.00008.
gnomAD v4.1: 10 of 1,614,072 alleles (0.00062%); highest among the groups gnomAD compares: Non-Finnish European, 0.00085%; no homozygotes.

Submission:

Labcorp Genetics (formerly Invitae), Labcorp
Classification: Uncertain significance for Emery-Dreifuss muscular dystrophy 5, autosomal dominant. Last evaluated: 2025-02-10. Review status: criteria provided, single submitter. Criteria: Invitae Variant Classification Sherloc (09022015). Collection method: clinical testing. Allele origin: germline.
Comment: This sequence change replaces arginine, which is basic and polar, with tryptophan, which is neutral and slightly polar, at codon 5877 of the SYNE2 protein (p.Arg5877Trp). This variant is present in population databases (rs374144405, gnomAD 0.002%). This variant has not been reported in the literature in individuals affected with SYNE2-related conditions. ClinVar contains an entry for this variant (Variation ID: 2093793). An algorithm developed to predict the effect of missense changes on protein structure and function (PolyPhen-2) suggests that this variant is likely to be disruptive. In summary, the available evidence is currently insufficient to determine the role of this variant in disease. Therefore, it has been classified as a Variant of Uncertain Significance.